The following is an entry in ClinVar:

ClinVar aggregate classification (germline): Conflicting classifications of pathogenicity. Review status: criteria provided, conflicting classifications (1 of 4 stars). 12 submissions from 12 submitters: Uncertain significance (1); Benign (6); Likely benign (3). 2 of the submissions do not count toward it. Last evaluated 2026-02-04.

Conditions:
Cardiovascular phenotype. Identifiers: MedGen CN230736.
Dilated cardiomyopathy 3B (CMD3B). Also called: CMD3B: DMD-Related Dilated Cardiomyopathy; CARDIOMYOPATHY, DILATED, X-LINKED; DMD-Associated Dilated Cardiomyopathy. Identifiers: Orphanet 154, MedGen C3668940, MONDO:0010542, OMIM 302045.
Duchenne muscular dystrophy (DMD). Also called: Duchenne Muscular Dystrophy (DMD); MUSCULAR DYSTROPHY, PSEUDOHYPERTROPHIC PROGRESSIVE, DUCHENNE TYPE. Identifiers: Orphanet 98896, MedGen C0013264, MONDO:0010679, OMIM 310200.

Allele frequency attached by ClinVar (database versions not stated): gnomAD 0.00034 and 0.00035; TOPMed 0.00042; gnomAD exomes 0.00051 and 0.00053; ExAC 0.00062; ESP Exome Variant Server 0.00066.
gnomAD v4.1: 608 of 1,209,990 alleles (0.05%); highest among the groups gnomAD compares: Middle Eastern, 0.57%; 3 homozygotes.

Submissions (12):

Labcorp Genetics (formerly Invitae), Labcorp
Classification: Benign for Duchenne muscular dystrophy. Last evaluated: 2026-02-04. Review status: criteria provided, single submitter. Criteria: Invitae Variant Classification Sherloc (09022015). Collection method: clinical testing. Allele origin: germline.

Molecular Diagnostic Laboratory for Inherited Cardiovascular Disease, Montreal Heart Institute
Classification: Likely benign. Last evaluated: 2025-04-09. Review status: criteria provided, single submitter. Criteria: ACMG Guidelines, 2015. Collection method: clinical testing. Allele origin: germline. Affected: no.
Comment: BS1, BP1, BP6

Blueprint Genetics
Classification: Likely benign. Last evaluated: 2024-11-28. Review status: criteria provided, single submitter. Criteria: ACMG Guidelines, 2015. Collection method: clinical testing. Allele origin: germline.

Genome-Nilou Lab
Classification: Benign for Duchenne muscular dystrophy. Last evaluated: 2021-05-18. Review status: criteria provided, single submitter. Criteria: ACMG Guidelines, 2015. Collection method: clinical testing. Allele origin: germline. Affected: no.

GeneDx
Classification: Benign. Last evaluated: 2021-02-25. Review status: criteria provided, single submitter. Criteria: GeneDx Variant Classification Process June 2021. Collection method: clinical testing. Allele origin: germline. Affected: yes.
Comment: This variant is associated with the following publications: (PMID: 7849724, 24274981, 19937601)

Women's Health and Genetics/Laboratory Corporation of America, LabCorp
Classification: Benign. Last evaluated: 2020-06-25. Review status: criteria provided, single submitter. Criteria: LabCorp Variant Classification Summary - May 2015. Collection method: clinical testing. Allele origin: germline.
Comment: Variant summary: DMD c.1095A>C (p.Gln365His) results in a non-conservative amino acid change in the encoded protein sequence. Three of four in-silico tools predict a damaging effect of the variant on protein function. The variant allele was found at a frequency of 0.00053 in 183391 control chromosomes, predominantly at a frequency of 0.0015 within the South Asian subpopulation in the gnomAD database. The observed variant frequency within South Asian control individuals in the gnomAD database is approximately 136 fold of the estimated maximal expected allele frequency for a pathogenic variant in DMD causing Dystrophinopathies phenotype strongly suggesting that the variant is a benign polymorphism found primarily in populations of South Asian origin. c.1095A>C has been reported in the literature as a benign sequence variant in a cohort of patients enrolled in the United Dystrophinopathy Project, a multicenter research consortium, and in referral samples submitted for mutation analysis with a diagnosis of dystrophinopathy (Flanigan_2009). To our knowledge, no experimental evidence demonstrating an impact on protein function has been reported. Six clinical diagnostic laboratories have submitted clinical-significance assessments for this variant to ClinVar after 2014 without evidence for independent evaluation (benign/likely benign, n=5). Based on the evidence outlined above, the variant was classified as benign.

Laboratory for Molecular Medicine, Mass General Brigham Personalized Medicine
Classification: Benign. Last evaluated: 2019-01-18. Review status: criteria provided, single submitter. Criteria: LMM Criteria. Collection method: clinical testing. Allele origin: germline. Observed: 1 variant allele.
Comment: The p.Gln365His variant in DMD is classified as benign because it has been ident ified in 0.15% (29/19076) of South Asian chromosomes including 16 hemizygotes by gnomAD. ACMG/AMP criteria applied: BA1.

Ambry Genetics
Classification: Likely benign for Cardiovascular phenotype. Last evaluated: 2018-06-20. Review status: criteria provided, single submitter. Criteria: Ambry Variant Classification Scheme 2023. Collection method: clinical testing. Allele origin: germline.

Illumina Laboratory Services, Illumina
Classification: Uncertain significance for Dilated cardiomyopathy 3B. Last evaluated: 2017-04-27. Review status: criteria provided, single submitter. Criteria: ICSL Variant Classification Criteria 13 December 2019. Collection method: clinical testing. Allele origin: germline.

Eurofins Ntd Llc (ga)
Classification: Benign. Last evaluated: 2015-09-07. Review status: criteria provided, single submitter. Criteria: EGL Classification Definitions 2015. Collection method: clinical testing. Allele origin: germline. Observed: 1 variant allele, 1 heterozygote.

Clinical Genetics DNA and cytogenetics Diagnostics Lab, Erasmus MC, Erasmus Medical Center
Classification: Likely benign. Review status: no assertion criteria provided. Collection method: clinical testing. Allele origin: germline. Affected: yes. Study: VKGL Data-share Consensus. Not counted in ClinVar's aggregate classification.

Genome Diagnostics Laboratory, University Medical Center Utrecht
Classification: Likely benign. Review status: no assertion criteria provided. Collection method: clinical testing. Allele origin: germline. Affected: yes. Study: VKGL Data-share Consensus. Not counted in ClinVar's aggregate classification.

Literature cited by the submitters: PubMed 19937601 (cited by Women's Health and Genetics/Laboratory Corporation of America, LabCorp and Ambry Genetics).

NM_004006.3(DMD):c.1095A>C (p.Gln365His)

Gene: DMD (dystrophin; minus strand). Cytogenetic location: Xp21.1.
Variant type: single nucleotide variant.
Coding change: c.1095A>C on transcript NM_004006.3 (MANE Select); coding-DNA position 1095, A replaced by C.
Protein change: p.Gln365His; replaces glutamine 365 with histidine.
Molecular consequence: missense variant.
Genome position (GRCh38, 1-based): chrX:32,645,018, T>G on the plus strand (A>C on the coding strand, the complement: DMD is on the minus strand). VCF-style: chrX-32645018-T-G. GRCh37 (hg19) VCF-style: chrX-32663135-T-G.
Other names: c.1071A>C, p.Gln357His (NM_000109.4); c.1083A>C, p.Gln361His (NM_004009.3); c.726A>C, p.Gln242His (NM_004010.3); short protein forms Q365H, Q361H, Q242H, Q357H.
Identifiers: ClinVar variation 282487 (VCV000282487.34), dbSNP rs1800266, ClinGen allele CA10379975.
Genomic context (GRCh38, chrX:32,645,018, plus strand): 5'-GTTTACCTCATGAGTATGAAACTGGTCTTTCACCACTTCCACATCATTAGAAATCTCTCC[T>G]TGTGCTTGCAATGTGTCCTCAGCAGAAAGAAGCCACGATAATACTTCTTCTAAAGCTGTT-3'
Protein context (NP_003997.2, residues 355-375): LLSAEDTLQA[Gln365His]GEISNDVEVV